The following is an entry in ClinVar:

NM_004260.4(RECQL4):c.103C>G (p.Pro35Ala)

Genes: RECQL4 (RecQ like helicase 4; minus strand), LOC130001411 (ATAC-STARR-seq lymphoblastoid silent region 19699; plus strand). Cytogenetic location: 8q24.3.
Variant type: single nucleotide variant.
Coding change: c.103C>G on transcript NM_004260.4 (MANE Select); coding-DNA position 103, C replaced by G.
Protein change: p.Pro35Ala; replaces proline 35 with alanine.
Molecular consequence: missense variant.
Genome position (GRCh38, 1-based): chr8:144,517,617, G>C on the plus strand (C>G on the coding strand, the complement: RECQL4 is on the minus strand). VCF-style: chr8-144517617-G-C. GRCh37 (hg19) VCF-style: chr8-145743001-G-C.
Other names: c.103C>G (NM_004260.3); short protein forms P35A.
Identifiers: ClinVar variation 1002789 (VCV001002789.6), dbSNP rs1304842985, ClinGen allele CA372693442.
Genomic context (GRCh38, chr8:144,517,617, plus strand): 5'-CCGACCCGGTGTCTTCTCGCCCCCGCCGCCCCGCCGCGCGCTCACCGCGGGTCTCCTCCG[G>C]CGCCGCCTCCACGTCGTCCTGTAAAGGGAACGCGTCAGCCGCGGGCCGCGCCCTCAGCCC-3'
Protein context (NP_004251.4, residues 25-45): RPSQDDVEAA[Pro35Ala]EETRALYREY

ClinVar aggregate classification (germline): Uncertain significance. Review status: criteria provided, multiple submitters, no conflicts (2 of 4 stars). 3 submissions from 3 submitters: Uncertain significance (3). Last evaluated 2026-10-01.

Conditions:
Rothmund-Thomson syndrome type 2 (RTS2). Identifiers: Orphanet 221016, MedGen C5203410, MONDO:0016369, OMIM 268400.
Inborn genetic diseases. Identifiers: MedGen C0950123, MeSH D030342.
Baller-Gerold syndrome (BGS). Also called: CRANIOSYNOSTOSIS WITH RADIAL DEFECTS. Identifiers: Orphanet 1225, MedGen C0265308, MONDO:0009039, OMIM 218600.

Allele frequency attached by ClinVar (database versions not stated): TOPMed 0.00003.

Submissions (3):

St. Jude Molecular Pathology, St. Jude Children's Research Hospital
Classification: Uncertain significance for Rothmund-Thomson syndrome type 2. Last evaluated: 2026-10-01. Review status: criteria provided, single submitter. Criteria: St. Jude Assertion Criteria 2020. Collection method: clinical testing. Allele origin: germline.
Comment: The RECQL4 c.103C>G p.(Pro35Ala) missense change is absent in gnomAD v2.1.1. In silico tools are inconclusive about a pathogenic or benign effect of this variant on protein function, and to our knowledge functional studies have n ot been performed. To our knowledge, this variant has not been reported in individuals with RECQL4-associated conditions. In summary, the evidence currently available is insufficient to determine the clinical significance of this variant. It has therefore been classified as of uncertain significance.

Ambry Genetics
Classification: Uncertain significance for Inborn genetic diseases. Last evaluated: 2024-11-22. Review status: criteria provided, single submitter. Criteria: Ambry Variant Classification Scheme 2023. Collection method: clinical testing. Allele origin: germline.
Comment: The p.P35A variant (also known as c.103C>G), located in coding exon 2 of the RECQL4 gene, results from a C to G substitution at nucleotide position 103. The proline at codon 35 is replaced by alanine, an amino acid with highly similar properties. This amino acid position is conserved. In addition, this alteration is predicted to be tolerated by in silico analysis. Based on the available evidence, the clinical significance of this variant remains unclear.

Labcorp Genetics (formerly Invitae), Labcorp
Classification: Uncertain significance for Baller-Gerold syndrome. Last evaluated: 2023-10-26. Review status: criteria provided, single submitter. Criteria: Invitae Variant Classification Sherloc (09022015). Collection method: clinical testing. Allele origin: germline.
Comment: This sequence change replaces proline, which is neutral and non-polar, with alanine, which is neutral and non-polar, at codon 35 of the RECQL4 protein (p.Pro35Ala). This variant is not present in population databases (gnomAD no frequency). This variant has not been reported in the literature in individuals affected with RECQL4-related conditions. ClinVar contains an entry for this variant (Variation ID: 1002789). Experimental studies and prediction algorithms are not available or were not evaluated, and the functional significance of this variant is currently unknown. In summary, the available evidence is currently insufficient to determine the role of this variant in disease. Therefore, it has been classified as a Variant of Uncertain Significance.